The following is an entry in ClinVar:

ClinVar aggregate classification (germline): Uncertain significance (1 of 4 stars; one submission).

Conditions:
Progressive microcephaly-seizures-cortical blindness-developmental delay syndrome. Also called: Seizures, cortical blindness, and microcephaly syndrome. Identifiers: Orphanet 477814, MedGen C5567650, MONDO:0014714, OMIM 616632.
Autosomal dominant nonsyndromic hearing loss 1. Also called: DEAFNESS, AUTOSOMAL DOMINANT 1, WITH OR WITHOUT THROMBOCYTOPENIA; KONIGSMARK SYNDROME. Identifiers: Orphanet 90635, MedGen C1852282, MONDO:0007424, OMIM 124900.

gnomAD v4.1: 2 of 1,553,716 alleles (0.00013%); highest among the groups gnomAD compares: Non-Finnish European, 0.00017%; no homozygotes.

Submission:

Labcorp Genetics (formerly Invitae), Labcorp
Classification: Uncertain significance for Progressive microcephaly-seizures-cortical blindness-developmental delay syndrome; Autosomal dominant nonsyndromic hearing loss 1. Last evaluated: 2021-11-18. Review status: criteria provided, single submitter. Criteria: Invitae Variant Classification Sherloc (09022015). Collection method: clinical testing. Allele origin: germline.
Comment: This sequence change replaces phenylalanine, which is neutral and non-polar, with serine, which is neutral and polar, at codon 39 of the DIAPH1 protein (p.Phe39Ser). In summary, the available evidence is currently insufficient to determine the role of this variant in disease. Therefore, it has been classified as a Variant of Uncertain Significance. Algorithms developed to predict the effect of missense changes on protein structure and function are either unavailable or do not agree on the potential impact of this missense change (SIFT: "Deleterious"; PolyPhen-2: "Not Available"; Align-GVGD: "Class C0"). This variant has not been reported in the literature in individuals affected with DIAPH1-related conditions. This variant is not present in population databases (gnomAD no frequency).

NM_005219.5(DIAPH1):c.116T>C (p.Phe39Ser)

Gene: DIAPH1 (diaphanous related formin 1; minus strand). Cytogenetic location: 5q31.3.
Variant type: single nucleotide variant.
Coding change: c.116T>C on transcript NM_005219.5 (MANE Select); coding-DNA position 116, T replaced by C.
Protein change: p.Phe39Ser; replaces phenylalanine 39 with serine.
Molecular consequence: missense variant.
Genome position (GRCh38, 1-based): chr5:141,618,799, A>G on the plus strand (T>C on the coding strand, the complement: DIAPH1 is on the minus strand). VCF-style: chr5-141618799-A-G. GRCh37 (hg19) VCF-style: chr5-140998366-A-G.
Other names: c.116T>C, p.Phe39Ser (NM_001079812.3, NM_001314007.2); short protein forms F39S.
Identifiers: ClinVar variation 1400838 (VCV001400838.8), dbSNP rs2154597560, ClinGen allele CA361508252.